The following is an entry in ClinVar:

NM_016592.5(GNAS):c.334G>T (p.Glu112Ter)

Genes: GNAS (GNAS complex locus; plus strand), GNAS-AS1 (GNAS antisense RNA 1; minus strand). Cytogenetic location: 20q13.32.
Variant type: single nucleotide variant.
Coding change: c.334G>T on transcript NM_016592.5 (MANE Plus Clinical); coding-DNA position 334, G replaced by T.
Protein change: p.Glu112Ter; replaces glutamic acid 112 with a stop codon.
Molecular consequence: nonsense. On other transcripts: 5 prime UTR variant (1).
Genome position (GRCh38, 1-based): chr20:58,840,440, G>T. VCF-style: chr20-58840440-G-T. GRCh37 (hg19) VCF-style: chr20-57415495-G-T.
Other names: c.-404G>T (NM_001410912.1); short protein forms E112*.
Identifiers: ClinVar variation 4981334 (VCV004981334.1).

ClinVar aggregate classification (germline): Uncertain significance (1 of 4 stars; one submission).

Conditions:
GNAS-related disorder. Identifiers: MedGen CN380105.

gnomAD v4.1: 18 of 1,613,322 alleles (0.0011%); highest among the groups gnomAD compares: Non-Finnish European, 0.0015%; no homozygotes.

Submission:

PreventionGenetics, part of Exact Sciences
Classification: Uncertain significance for GNAS-related condition. Last evaluated: 2024-10-17. Review status: criteria provided, single submitter. Criteria: ACMG Guidelines, 2015. Collection method: clinical testing. Allele origin: germline.
Comment: The GNAS c.334G>T variant is predicted to result in premature protein termination (p.Glu112*). This variant can also be referred to as a precoding variant c.-51287G>T with the transcript listed in the Human Gene Mutation Database (NM_000516.5). To our knowledge, only large deletions in this region are conclusively pathogenic for pseudohypoparathyroidism type-Ib (PHP-Ib) due to methylation defects, of which obesity is not typically a characteristic feature (Turan and Bastepe. 2015. PubMed ID: 25851935). Although in some studies single nucleotide variants (SNVs) within this region have been reported in related diseases, the pathogenicity of these variants is still unknown (see, for example, in Table 3 of Long et al. 2018. PubMed ID: 30022773). Therefore, at this time, the clinical significance of this nonsense variant is uncertain due to the absence of conclusive functional and genetic evidence.